The following is an entry in ClinVar:

ClinVar aggregate classification (germline): Likely pathogenic. Review status: criteria provided, multiple submitters, no conflicts (2 of 4 stars). 2 submissions from 2 submitters: Likely pathogenic (2). Last evaluated 2024-09-28.

Conditions:
Congenital adrenal hypoplasia, X-linked (AHC). Also called: Isolated X-Linked Adrenal Hypoplasia Congenita; ADRENAL HYPOPLASIA, CONGENITAL, WITH HYPOGONADOTROPIC HYPOGONADISM; X-linked AHC; X-Linked Adrenal Hypoplasia Congenita. Identifiers: Orphanet 95702, MedGen C0342482, MONDO:0010264, OMIM 300200. Disease mechanism: loss of function.
46,XY sex reversal 2. Also called: NR0B1-Related 46,XY CGD; NR0B1-related 46,XY complete gonadal dysgenesis; Dosage-sensitive sex reversal; 46XY sex reversal 2, dosage-sensitive; 46,XY SEX REVERSAL, DAX1-RELATED. Identifiers: MedGen C1848296, MONDO:0010226, OMIM 300018.

Submissions (2):

Labcorp Genetics (formerly Invitae), Labcorp
Classification: Likely pathogenic for Congenital adrenal hypoplasia, X-linked; 46,XY sex reversal 2. Last evaluated: 2024-09-28. Review status: criteria provided, single submitter. Criteria: Invitae Variant Classification Sherloc (09022015). Collection method: clinical testing. Allele origin: germline.
Comment: This sequence change disrupts the translational stop signal of the NR0B1 mRNA. It is expected to extend the length of the NR0B1 protein by 18 additional amino acid residues. This variant is not present in population databases (gnomAD no frequency). This protein extension has been observed in individual(s) with congenital adrenal hypoplasia (PMID: 33766795, 35432221, 37118935). In at least one individual the variant was observed to be de novo. This variant is also known as DAX1 c.1411T>C, p.Ter471Gln. ClinVar contains an entry for this variant (Variation ID: 978419). This variant results in an extension of the NR0B1 protein. Other variant(s) that result in a similarly extended protein product (p.*471Leuext*18, p.*471Lysext*18) have been observed in individuals with NR0B1-related disease (PMID: 30617386, 35848959). This suggests that these extensions may be clinically significant. In summary, the currently available evidence indicates that the variant is pathogenic, but additional data are needed to prove that conclusively. Therefore, this variant has been classified as Likely Pathogenic.

Department of Endocrinology, Metabolism and Genetics, Henan Children's Hospital, Children's Hospital Affiliated to Zhengzhou University
Classification: Likely pathogenic for Congenital adrenal hypoplasia, X-linked. Last evaluated: 2016-09-27. Review status: criteria provided, single submitter. Criteria: ACMG Guidelines, 2015. Collection method: research. Allele origin: maternal. Inheritance: X-linked inheritance. Affected: yes. Observed: 1 hemizygote.
Comment: This clinical inference contradicts the earlier case studies J.H.D. Bassett et al., 1999 and Okuhara et al., 2008 in which the adrenal hypoplasia congenital boys developed precocious puberty between 17 years to 18 years of age. The stop-loss variant: c.1411T>C/p.X471Q by adding extra 18 amino acids at the C terminal domain of each chain A and chain B monomers of DAX1 homodimer is more likely to disturb the homodimer orientation. Indeed, this could effectively hinder the DAX1 functional interaction with the steroidogenic factor 1 (SF1) protein crucial in regulating the hypothalamic-pituitary-gonadal/adrenal axis responses via neuronal nitric oxide synthetase activation.

Literature cited by the submitters: PubMed 33766795 (cited by Labcorp Genetics (formerly Invitae), Labcorp); PubMed 35432221 (cited by Labcorp Genetics (formerly Invitae), Labcorp); PubMed 37118935 (cited by Labcorp Genetics (formerly Invitae), Labcorp); PubMed 30617386 (cited by Labcorp Genetics (formerly Invitae), Labcorp); PubMed 35848959 (cited by Labcorp Genetics (formerly Invitae), Labcorp).

NM_000475.5(NR0B1):c.1411T>C (p.Ter471Gln)

Gene: NR0B1 (nuclear receptor subfamily 0 group B member 1; minus strand). Cytogenetic location: Xp21.2.
Variant type: single nucleotide variant.
Coding change: c.1411T>C on transcript NM_000475.5 (MANE Select); coding-DNA position 1411, T replaced by C.
Protein change: p.Ter471Gln.
Molecular consequence: stop lost.
Genome position (GRCh38, 1-based): chrX:30,304,581, A>G on the plus strand (T>C on the coding strand, the complement: NR0B1 is on the minus strand). VCF-style: chrX-30304581-A-G. GRCh37 (hg19) VCF-style: chrX-30322698-A-G.
Identifiers: ClinVar variation 978419 (VCV000978419.5), dbSNP rs1926485824, ClinGen allele CA412544258.